The following is an entry in ClinVar:

ClinVar aggregate classification (germline): Conflicting classifications of pathogenicity. Review status: criteria provided, conflicting classifications (1 of 4 stars). 11 submissions from 11 submitters: Pathogenic (8); Uncertain significance (1). 2 of the submissions do not count toward it. Last evaluated 2025-12-05.

Conditions:
Inborn genetic diseases. Identifiers: MedGen C0950123, MeSH D030342.
KMT2D-related disorder. Also called: KMT2D-Related Disorders.
Kabuki syndrome. Also called: NIIKAWA-KUROKI SYNDROME; Kabuki make-up syndrome. Identifiers: Orphanet 2322, MedGen C0796004, MONDO:0016512.
Kabuki syndrome 1 (KABUK1). Also called: KMT2D-Related Kabuki Syndrome. Identifiers: Orphanet 2322, MedGen CN030661, MONDO:0007843, OMIM 147920.

Allele frequency attached by ClinVar (database versions not stated): gnomAD exomes below 0.00001.
gnomAD v4.1: 1 of 1,613,328 alleles (0.000062%); highest among the groups gnomAD compares: Non-Finnish European, 0.000085%; no homozygotes.

Submissions (11):

3billion
Classification: Pathogenic for Kabuki syndrome 1. Last evaluated: 2025-12-05. Review status: criteria provided, single submitter. Criteria: ACMG Guidelines, 2015. Collection method: clinical testing. Allele origin: germline. Affected: yes.
Comment: The variant is observed at an extremely low frequency in the gnomAD v4.1.0 dataset (total allele frequency: <0.001%). Predicted Consequence/Location: Missense variant In silico tool predictions suggest damaging effect of the variant on gene or gene product [REVEL: 0.78 (>=0.6, sensitivity 0.68 and specificity 0.92)]. The same nucleotide change resulting in the same amino acid change has been previously reported as pathogenic/likely pathogenic with strong evidence (ClinVar ID: VCV000094180 /PMID: 21671394 /3billion dataset). The variant has been observed in multiple (>3) similarly affected unrelated individuals (PMID: 27302555). The variant has been previously reported as assumed (i.e. paternity and maternity not confirmed) de novo in at least one similarly affected unrelated individual (PMID: 27302555). A different missense change at the same codon (p.Arg5048His) has been reported as pathogenic/likely pathogenic with strong evidence (ClinVar ID: VCV000280132 /PMID: 23913813 /3billion dataset). Therefore, this variant is classified as Pathogenic according to the recommendation of ACMG/AMP guideline.

Daryl Scott Lab, Baylor College of Medicine
Classification: Pathogenic for Kabuki syndrome 1. Last evaluated: 2024-01-01. Review status: criteria provided, single submitter. Criteria: ACMG Guidelines, 2015. Collection method: clinical testing. Allele origin: de novo. Affected: yes. Observed: 2 heterozygotes.
Comment: PS2, PS4, PM2, PP3

Blueprint Genetics
Classification: Pathogenic for KMT2D-related disorders. Last evaluated: 2023-12-28. Review status: criteria provided, single submitter. Criteria: ACMG Guidelines, 2015. Collection method: clinical testing. Allele origin: germline. Affected: yes. Observed: 1 variant allele.

GeneDx
Classification: Pathogenic. Last evaluated: 2022-01-18. Review status: criteria provided, single submitter. Criteria: GeneDx Variant Classification Process June 2021. Collection method: clinical testing. Allele origin: germline. Affected: yes.
Comment: Not observed at significant frequency in large population cohorts (gnomAD); In silico analysis supports that this missense variant has a deleterious effect on protein structure/function; Identified in a patients with Kabuki syndrome in published literature (Hannibal et al., 2011; Bogershausen et al., 2016); This variant is associated with the following publications: (PMID: 27302555, 30459467, 23913813, 19625956, 23320472, 22126750, 30176882, 29682684, 25972376, 28404210, 21671394, 29089047)

Ambry Genetics
Classification: Pathogenic for Inborn genetic diseases. Last evaluated: 2020-10-15. Review status: criteria provided, single submitter. Criteria: Ambry Variant Classification Scheme 2023. Collection method: clinical testing. Allele origin: germline.
Comment: The c.15142C>T (p.R5048C) alteration is located in exon 48 (coding exon 48) of the KMT2D gene. This alteration results from a C to T substitution at nucleotide position 15142, causing the arginine (R) at amino acid position 5048 to be replaced by a cysteine (C). Based on data from the Genome Aggregation Database (gnomAD), the KMT2D c.15142C>T alteration was not observed, with coverage at this position. This mutation was identified in multiple individuals with Kabuki syndrome (Hannibal, 2011; Banka, 2012; Makrythanasis, 2013; Van Laarhoven, 2015), including one de novo case (Miyake, 2013). The p.R5048C alteration is predicted to be deleterious by in silico analysis. Based on the available evidence, this alteration is classified as pathogenic.

Revvity Omics, Revvity
Classification: Pathogenic. Last evaluated: 2020-01-21. Review status: criteria provided, single submitter. Criteria: ACMG Guidelines, 2015. Collection method: clinical testing. Allele origin: germline.

Baylor Genetics
Classification: Pathogenic for Kabuki syndrome 1. Last evaluated: 2018-03-07. Review status: criteria provided, single submitter. Criteria: ACMG Guidelines, 2015. Collection method: clinical testing. Allele origin: unknown. Affected: yes.
Comment: This variant was determined to be pathogenic according to ACMG Guidelines, 2015 [PMID:25741868]. This variant has been previously reported as disease-causing [PMID 21671394, 27302555, 25972376]

Labcorp Genetics (formerly Invitae), Labcorp
Classification: Pathogenic for Kabuki syndrome. Last evaluated: 2018-01-28. Review status: criteria provided, single submitter. Criteria: Invitae Variant Classification Sherloc (09022015). Collection method: clinical testing. Allele origin: germline.
Comment: This variant is not present in population databases (ExAC no frequency). This sequence change replaces arginine with cysteine at codon 5048 of the KMT2D protein (p.Arg5048Cys). The arginine residue is highly conserved and there is a large physicochemical difference between arginine and cysteine. This variant has been reported in multiple individuals affected with Kabuki syndrome including at least 5 individuals in whom the variant have been confirmed to be de novo (PMID: 21671394, 27302555, 25972376, 23913813). It has also been found in a mother and daughter with Kabuki syndrome (PMID: 19625956, 22126750). ClinVar contains an entry for this variant (Variation ID: 94180). Algorithms developed to predict the effect of missense changes on protein structure and function do not agree on the potential impact of this missense change (SIFT: "Deleterious"; PolyPhen-2: "Probably damaging"; Align-GVGD: "Class C0"). For these reasons, this variant has been classified as Pathogenic.

Eurofins Ntd Llc (ga)
Classification: Uncertain significance. Last evaluated: 2013-03-13. Review status: criteria provided, single submitter. Criteria: EGL Classification Definitions 2015. Collection method: clinical testing. Allele origin: germline. Observed: 1 variant allele, 1 heterozygote.

Shaikh Laboratory, University of Colorado
Classification: Likely pathogenic for Kabuki make-up syndrome. Last evaluated: 2015-02-04. Review status: no assertion criteria provided. Criteria: research. Collection method: research. Allele origin: unknown. Affected: yes. Not counted in ClinVar's aggregate classification.

Autoinflammatory diseases unit, CHU de Montpellier
Classification: Pathogenic for Kabuki syndrome 1. Last evaluated: 2014-04-17. Review status: no assertion criteria provided. Collection method: clinical testing. Allele origin: de novo. Affected: yes. Observed: 2 variant alleles. Not counted in ClinVar's aggregate classification.

Literature cited by the submitters: PubMed 21671394 (cited by 4 submitters); PubMed 23913813 (cited by 3 submitters); PubMed 27302555 (cited by 3 submitters); PubMed 22126750 (cited by Ambry Genetics and Labcorp Genetics (formerly Invitae), Labcorp); PubMed 23320472 (cited by Ambry Genetics); PubMed 25972376 (cited by 4 submitters); PubMed 19625956 (cited by Labcorp Genetics (formerly Invitae), Labcorp).

NM_003482.4(KMT2D):c.15142C>T (p.Arg5048Cys)

Gene: KMT2D (lysine methyltransferase 2D; minus strand). Cytogenetic location: 12q13.12.
Variant type: single nucleotide variant.
Coding change: c.15142C>T on transcript NM_003482.4 (MANE Select); coding-DNA position 15142, C replaced by T.
Protein change: p.Arg5048Cys; replaces arginine 5048 with cysteine.
Molecular consequence: missense variant.
Genome position (GRCh38, 1-based): chr12:49,026,824, G>A on the plus strand (C>T on the coding strand, the complement: KMT2D is on the minus strand). VCF-style: chr12-49026824-G-A. GRCh37 (hg19) VCF-style: chr12-49420607-G-A.
Other names: short protein forms R5048C.
Identifiers: ClinVar variation 94180 (VCV000094180.24), dbSNP rs398123724, ClinGen allele CA222027.